The following is an entry in ClinVar:

NM_004304.5(ALK):c.3408C>T (p.Ser1136=)

Gene: ALK (ALK receptor tyrosine kinase; minus strand). Cytogenetic location: 2p23.2.
Variant type: single nucleotide variant.
Coding change: c.3408C>T on transcript NM_004304.5 (MANE Select); coding-DNA position 3408, C replaced by T.
Protein change: p.Ser1136=; no amino-acid change (serine 1136 retained).
Molecular consequence: synonymous variant.
Genome position (GRCh38, 1-based): chr2:29,222,559, G>A on the plus strand (C>T on the coding strand, the complement: ALK is on the minus strand). VCF-style: chr2-29222559-G-A. GRCh37 (hg19) VCF-style: chr2-29445425-G-A.
Other names: c.204C>T, p.Ser68= (NM_001353765.2).
Identifiers: ClinVar variation 335693 (VCV000335693.25), dbSNP rs56146053, ClinGen allele CA1593963.

ClinVar aggregate classification (germline): Benign. Review status: criteria provided, multiple submitters, no conflicts (2 of 4 stars). 10 submissions from 10 submitters: Benign (9). 1 of the submissions does not count toward it. Last evaluated 2026-09-01.

Conditions:
Neuroblastoma, susceptibility to, 3. Also called: ALK-Related Neuroblastic Tumor Susceptibility. Identifiers: Orphanet 635, MedGen C2751681, MONDO:0013083, OMIM 613014.
ALK-related disorder. Also called: ALK-related condition.
Hereditary cancer-predisposing syndrome. Also called: Tumor predisposition; Neoplastic Syndromes, Hereditary; Hereditary neoplastic syndrome; Hereditary Cancer Syndrome. Identifiers: Orphanet 140162, MedGen C0027672, MeSH D009386, MONDO:0015356.

Allele frequency attached by ClinVar (database versions not stated): gnomAD exomes 0.00250 and 0.00671; ExAC 0.00841; gnomAD 0.02605 and 0.02769; ESP Exome Variant Server 0.02922; TOPMed 0.02962; 1000 Genomes Project 0.03335; 1000 Genomes Project 30x 0.03498.
gnomAD v4.1: 7,757 of 1,613,970 alleles (0.48%); highest among the groups gnomAD compares: African/African-American, 9.2%; 323 homozygotes.

Submissions (10):

CeGaT Center for Human Genetics Tuebingen
Classification: Benign. Last evaluated: 2026-09-01. Review status: criteria provided, single submitter. Criteria: CeGaT Center For Human Genetics Tuebingen Variant Classification Criteria Version 2. Collection method: clinical testing. Allele origin: germline. Affected: yes. Observed: 1 variant allele.
Comment: ALK: BP4, BP7, BS1, BS2

Labcorp Genetics (formerly Invitae), Labcorp
Classification: Benign for Neuroblastoma, susceptibility to, 3. Last evaluated: 2026-02-04. Review status: criteria provided, single submitter. Criteria: Invitae Variant Classification Sherloc (09022015). Collection method: clinical testing. Allele origin: germline.

ARUP Laboratories, Molecular Genetics and Genomics, ARUP Laboratories
Classification: Benign for Neuroblastoma, susceptibility to, 3. Last evaluated: 2025-03-27. Review status: criteria provided, single submitter. Criteria: ARUP Molecular Germline Variant Investigation Process 2024. Collection method: clinical testing. Allele origin: germline.

KCCC/NGS Laboratory, Kuwait Cancer Control Center
Classification: Benign for Neuroblastoma, susceptibility to, 3. Last evaluated: 2023-07-07. Review status: criteria provided, single submitter. Criteria: ACMG Guidelines, 2015. Collection method: clinical testing. Allele origin: germline. Affected: yes.

Illumina Laboratory Services, Illumina
Classification: Benign for Neuroblastoma, susceptibility to, 3. Last evaluated: 2018-01-13. Review status: criteria provided, single submitter. Criteria: ICSL Variant Classification Criteria 13 December 2019. Collection method: clinical testing. Allele origin: germline.
Comment: This variant was observed in the ICSL laboratory as part of a predisposition screen in an ostensibly healthy population. It had not been previously curated by ICSL or reported in the Human Gene Mutation Database (HGMD: prior to June 1st, 2018), and was therefore a candidate for classification through an automated scoring system. Utilizing variant allele frequency, disease prevalence and penetrance estimates, and inheritance mode, an automated score was calculated to assess if this variant is too frequent to cause the disease. Based on the score and internal cut-off values, a variant classified as benign is not then subjected to further curation. The score for this variant resulted in a classification of benign for this disease.

Ambry Genetics
Classification: Benign for Hereditary cancer-predisposing syndrome. Last evaluated: 2017-02-08. Review status: criteria provided, single submitter. Criteria: Ambry Variant Classification Scheme 2023. Collection method: clinical testing. Allele origin: germline.

GeneDx
Classification: Benign. Last evaluated: 2016-10-09. Review status: criteria provided, single submitter. Criteria: GeneDx Variant Classification (06012015). Collection method: clinical testing. Allele origin: germline. Affected: yes.
Comment: This variant is considered likely benign or benign based on one or more of the following criteria: it is a conservative change, it occurs at a poorly conserved position in the protein, it is predicted to be benign by multiple in silico algorithms, and/or has population frequency not consistent with disease.

Women's Health and Genetics/Laboratory Corporation of America, LabCorp
Classification: Benign. Last evaluated: 2016-08-24. Review status: criteria provided, single submitter. Criteria: LabCorp Variant Classification Summary - May 2015. Collection method: clinical testing. Allele origin: germline.
Comment: Variant summary: The ALK c.3408C>T (p.Ser1136Ser) variant involves the alteration of a non-conserved nucleotide, resulting in a synonymous change. 4/5 splice prediction tools predict no significant impact on normal splicing. This variant was found in 1019/121152 control chromosomes (44 homozygotes), predominantly observed in the African subpopulation at a frequency of 0.0932024 (968/10386). This frequency is about 223686 times the estimated maximal expected allele frequency of a pathogenic ALK variant (0.0000004), suggesting this is likely a common benign polymorphism found primarily in the populations of African origin. The variant of interest has not, to our knowledge, been reported in affected individuals via publications. Taken together, this variant is classified as Benign.

Breakthrough Genomics
Classification: Benign. Review status: criteria provided, single submitter. Criteria: ACMG Guidelines, 2015. Collection method: not provided. Allele origin: germline. Inheritance: Unknown mechanism. Affected: yes.

PreventionGenetics, part of Exact Sciences
Classification: Benign for ALK-related condition. Last evaluated: 2019-06-12. Review status: no assertion criteria provided. Collection method: clinical testing. Allele origin: germline. Not counted in ClinVar's aggregate classification.
Comment: This variant is classified as benign based on ACMG/AMP sequence variant interpretation guidelines (Richards et al. 2015 PMID: 25741868, with internal and published modifications).